The following is an entry in ClinVar:

NM_144670.6(A2ML1):c.1276T>C (p.Tyr426His)

Gene: A2ML1 (alpha-2-macroglobulin like 1; plus strand). Cytogenetic location: 12p13.31.
Variant type: single nucleotide variant.
Coding change: c.1276T>C on transcript NM_144670.6 (MANE Select); coding-DNA position 1276, T replaced by C.
Protein change: p.Tyr426His; replaces tyrosine 426 with histidine.
Molecular consequence: missense variant.
Genome position (GRCh38, 1-based): chr12:8,843,161, T>C. VCF-style: chr12-8843161-T-C. GRCh37 (hg19) VCF-style: chr12-8995757-T-C.
Other names: short protein forms Y426H.
Identifiers: ClinVar variation 1766702 (VCV001766702.2), dbSNP rs750414332, ClinGen allele CA6435611.
Genomic context (GRCh38, chr12:8,843,161, plus strand): 5'-TGCTAAAATTCTCTCTCTCTCTTTTATTCTCAGGGAAAGTTTCAAATGGAAGACTTAGTA[T>C]ATAATCCGGAACAAGTGCCACGTTACTACCAAAATGCCTACCTGCACCTGCGACCCTTCT-3'
Protein context (NP_653271.3, residues 416-436): EGKFQMEDLV[Tyr426His]NPEQVPRYYQ

ClinVar aggregate classification (germline): Uncertain significance (1 of 4 stars; one submission).

Allele frequency attached by ClinVar (database versions not stated): ExAC 0.00001; gnomAD 0.00001.
gnomAD v4.1: 1 of 1,614,110 alleles (0.000062%); highest among the groups gnomAD compares: Non-Finnish European, 0.000085%; no homozygotes.

Submission:

Ambry Genetics
Classification: Uncertain significance. Last evaluated: 2022-09-05. Review status: criteria provided, single submitter. Criteria: Ambry Variant Classification Scheme 2023. Collection method: clinical testing. Allele origin: germline.
Comment: The p.Y426H variant (also known as c.1276T>C), located in coding exon 12 of the A2ML1 gene, results from a T to C substitution at nucleotide position 1276. The tyrosine at codon 426 is replaced by histidine, an amino acid with similar properties. This amino acid position is conserved. In addition, this alteration is predicted to be tolerated by in silico analysis. Since supporting evidence is limited at this time, the clinical significance of this alteration remains unclear.